The following is an entry in ClinVar:

NC_000011.9:g.(?_68582782)_(68582942_?)del

Gene: CPT1A (carnitine palmitoyltransferase 1A; minus strand). Cytogenetic location: 11q13.3.
Variant type: Deletion.
Identifiers: ClinVar variation 3244608 (VCV003244608.1).

ClinVar aggregate classification (germline): Pathogenic (1 of 4 stars; one submission).

Conditions:
Carnitine palmitoyl transferase 1A deficiency. Also called: Carnitine palmitoyltransferase 1A deficiency; Carnitine palmitoyltransferase type I deficiency; CPT deficiency, hepatic, type IA; CPT I DEFICIENCY; CPT DEFICIENCY, HEPATIC, TYPE I. Identifiers: Orphanet 156, MedGen C1829703, MONDO:0009705, OMIM 255120.

Submission:

Labcorp Genetics (formerly Invitae), Labcorp
Classification: Pathogenic for Carnitine palmitoyl transferase 1A deficiency. Last evaluated: 2023-12-22. Review status: criteria provided, single submitter. Criteria: Invitae Variant Classification Sherloc (09022015). Collection method: clinical testing. Allele origin: unknown.
Comment: This variant is a gross deletion of the genomic region encompassing exon(s) 2 of the CPT1A gene, which includes the initiator codon. This deletion extends beyond the assayed region for this gene and therefore may encompass additional genes. It is expected to result in an absent or disrupted protein product. Loss-of-function variants in CPT1A are known to be pathogenic (PMID: 16169268). This variant has not been reported in the literature in individuals affected with CPT1A-related conditions. For these reasons, this variant has been classified as Pathogenic.

Literature cited by the submitters: PubMed 16169268.